The following is an entry in ClinVar:

ClinVar aggregate classification (germline): Uncertain significance (1 of 4 stars; one submission).

Conditions:
Neurodevelopmental disorder with poor growth, seizures, and brain abnormalities. Identifiers: MedGen C6012710, MONDO:0976265, OMIM 621154.

Submission:

Juno Genomics, Hangzhou Juno Genomics, Inc
Classification: Uncertain significance for Neurodevelopmental disorder with poor growth, seizures, and brain abnormalities. Review status: criteria provided, single submitter. Criteria: ACMG Guidelines, 2015. Collection method: clinical testing. Allele origin: germline.
Comment: Absent from controls (or at extremely low frequency if recessive) in Genome Aggregation Database.

NM_016390.4(SPOUT1):c.688C>T (p.Arg230Ter)

Genes: SPOUT1 (SPOUT domain containing methyltransferase 1; minus strand), KYAT1-SPOUT1 (KYAT1-SPOUT1 readthrough; minus strand). Cytogenetic location: 9q34.11.
Variant type: single nucleotide variant.
Coding change: c.688C>T on transcript NM_016390.4 (MANE Select); coding-DNA position 688, C replaced by T.
Protein change: p.Arg230Ter; replaces arginine 230 with a stop codon.
Molecular consequence: nonsense. On other transcripts: non-coding transcript variant (2).
Genome position (GRCh38, 1-based): chr9:128,825,001, G>A on the plus strand (C>T on the coding strand, the complement: SPOUT1 is on the minus strand). VCF-style: chr9-128825001-G-A. GRCh37 (hg19) VCF-style: chr9-131587280-G-A.
Other names: c.2035C>T, p.Arg679Ter (NM_001414398.1); short protein forms R230*, R679*.
Identifiers: ClinVar variation 5007398 (VCV005007398.2).